The following is an entry in ClinVar:

NM_001197104.2(KMT2A):c.8066G>A (p.Arg2689Lys)

Gene: KMT2A (lysine methyltransferase 2A; plus strand). Cytogenetic location: 11q23.3.
Variant type: single nucleotide variant.
Coding change: c.8066G>A on transcript NM_001197104.2 (MANE Select); coding-DNA position 8066, G replaced by A.
Protein change: p.Arg2689Lys; replaces arginine 2689 with lysine.
Molecular consequence: missense variant.
Genome position (GRCh38, 1-based): chr11:118,503,958, G>A. VCF-style: chr11-118503958-G-A. GRCh37 (hg19) VCF-style: chr11-118374673-G-A.
Other names: c.8156G>A, p.Arg2719Lys (NM_001412597.1); c.8057G>A, p.Arg2686Lys (NM_005933.4); short protein forms R2686K, R2689K, R2719K.
Identifiers: ClinVar variation 4853263 (VCV004853263.1).

ClinVar aggregate classification (germline): Uncertain significance (1 of 4 stars; one submission).

gnomAD v4.1: 1 of 1,614,158 alleles (0.000062%); highest among the groups gnomAD compares: Non-Finnish European, 0.000085%; no homozygotes.

Submission:

Women's Health and Genetics/Laboratory Corporation of America, LabCorp
Classification: Uncertain significance. Last evaluated: 2026-05-12. Review status: criteria provided, single submitter. Criteria: LabCorp Variant Classification Summary - May 2015. Collection method: clinical testing. Allele origin: germline.
Comment: Variant summary: KMT2A c.8066G>A (p.Arg2689Lys) results in a conservative amino acid change in the encoded protein sequence. Algorithms developed to predict the effect of missense changes on protein structure and function are either unavailable or do not agree on the potential impact of this missense change. The variant was absent in 251418 control chromosomes. The available data on variant occurrences in the general population are insufficient to allow any conclusion about variant significance. To our knowledge, no occurrence of c.8066G>A in individuals affected with KMT2A-related conditions and no experimental evidence demonstrating its impact on protein function have been reported. No submitters have cited clinical-significance assessments for this variant to ClinVar. Based on the evidence outlined above, the variant was classified as uncertain significance.